The following is an entry in ClinVar:

NM_004706.4(ARHGEF1):c.1964C>T (p.Thr655Met)

Gene: ARHGEF1 (Rho guanine nucleotide exchange factor 1; plus strand). Cytogenetic location: 19q13.2.
Variant type: single nucleotide variant.
Coding change: c.1964C>T on transcript NM_004706.4 (MANE Select); coding-DNA position 1964, C replaced by T.
Protein change: p.Thr655Met; replaces threonine 655 with methionine.
Molecular consequence: missense variant. On other transcripts: non-coding transcript variant (2).
Genome position (GRCh38, 1-based): chr19:41,904,081, C>T. VCF-style: chr19-41904081-C-T. GRCh37 (hg19) VCF-style: chr19-42408233-C-T.
Other names: c.2132C>T, p.Thr711Met (NM_001396000.1); c.1865C>T, p.Thr622Met (NM_001396002.1, NM_001396004.1, NM_198977.2); c.1964C>T, p.Thr655Met (NM_001396003.1, NM_001396006.1); c.2009C>T, p.Thr670Met (NM_199002.2); short protein forms T622M, T655M, T670M, T711M.
Identifiers: ClinVar variation 3623516 (VCV003623516.2).
Genomic context (GRCh38, chr19:41,904,081, plus strand): 5'-CCCTCCTGCCCCAGAACCTGGACATCACCAAGAAGAAATTGGTCCACGAGGGCCCACTGA[C>T]GTGGCGGGTGACTAAGGACAAGGCAGTGGGTGAGTGCCAGAGCAGCTGCCTAGTGCAGGG-3'
Protein context (NP_004697.2, residues 645-665): KKKLVHEGPL[Thr655Met]WRVTKDKAVE

ClinVar aggregate classification (germline): Uncertain significance (1 of 4 stars; one submission).

gnomAD v4.1: 18 of 1,614,172 alleles (0.0011%); highest among the groups gnomAD compares: Middle Eastern, 0.016%; no homozygotes.

Submission:

Labcorp Genetics (formerly Invitae), Labcorp
Classification: Uncertain significance. Last evaluated: 2025-12-22. Review status: criteria provided, single submitter. Criteria: Invitae Variant Classification Sherloc (09022015). Collection method: clinical testing. Allele origin: germline.
Comment: This sequence change replaces threonine, which is neutral and polar, with methionine, which is neutral and non-polar, at codon 670 of the ARHGEF1 protein (p.Thr670Met). This variant is present in population databases (rs201743928, gnomAD 0.03%). This variant has not been reported in the literature in individuals affected with ARHGEF1-related conditions. ClinVar contains an entry for this variant (Variation ID: 3623516). An algorithm developed to predict the effect of missense changes on protein structure and function (PolyPhen-2) suggests that this variant is likely to be disruptive. In summary, the available evidence is currently insufficient to determine the role of this variant in disease. Therefore, it has been classified as a Variant of Uncertain Significance.